The following is an entry in ClinVar:

NM_001134831.2(AHI1):c.1301T>C (p.Leu434Pro)

Gene: AHI1 (Abelson helper integration site 1; minus strand). Cytogenetic location: 6q23.3.
Variant type: single nucleotide variant.
Coding change: c.1301T>C on transcript NM_001134831.2 (MANE Select); coding-DNA position 1301, T replaced by C.
Protein change: p.Leu434Pro; replaces leucine 434 with proline.
Molecular consequence: missense variant.
Genome position (GRCh38, 1-based): chr6:135,455,777, A>G on the plus strand (T>C on the coding strand, the complement: AHI1 is on the minus strand). VCF-style: chr6-135455777-A-G. GRCh37 (hg19) VCF-style: chr6-135776915-A-G.
Other names: c.1301T>C, p.Leu434Pro (NM_001134830.2, NM_001134832.2, NM_001350503.2 and 2 more transcripts); short protein forms L434P.
Identifiers: ClinVar variation 866095 (VCV000866095.13), dbSNP rs771603649, ClinGen allele CA4012626.

ClinVar aggregate classification (germline): Conflicting classifications of pathogenicity. Review status: criteria provided, conflicting classifications (1 of 4 stars). 6 submissions from 6 submitters: Likely pathogenic (2); Uncertain significance (4). Last evaluated 2025-10-02.

Conditions:
AHI1-related disorder. Also called: AHI1-related condition.
Joubert syndrome 3 (JBTS3). Also called: AHI1-related Ciliopathy. Identifiers: Orphanet 220493, MedGen C1837713, MONDO:0012078, OMIM 608629.
Joubert syndrome. Also called: Familial aplasia of the vermis; JOUBERT-BOLTSHAUSER SYNDROME. Identifiers: Orphanet 475, MedGen C5979921, MONDO:0018772.

Allele frequency attached by ClinVar (database versions not stated): gnomAD exomes 0.00001; ExAC 0.00002; TOPMed 0.00002.
gnomAD v4.1: 21 of 1,604,222 alleles (0.0013%); highest among the groups gnomAD compares: Non-Finnish European, 0.0016%; no homozygotes.

Submissions (6):

PreventionGenetics, part of Exact Sciences
Classification: Uncertain significance for AHI1-related condition. Last evaluated: 2025-10-02. Review status: criteria provided, single submitter. Criteria: ACMG Guidelines, 2015. Collection method: clinical testing. Allele origin: germline.
Comment: The AHI1 c.1301T>C variant is predicted to result in the amino acid substitution p.Leu434Pro. To our knowledge, this variant has not been reported in the literature. This variant is reported in 0.0019% of alleles in individuals of European (Non-Finnish) descent in gnomAD. At PreventionGenetics, we have identified this variant in the heterozygous state along with a second heterozygous causative variant in patients who presented with retinal disease (internal data). Although we suspect that this variant may be pathogenic, at this time, the clinical significance of this variant is uncertain due to the absence of conclusive functional and genetic evidence.

Blueprint Genetics
Classification: Likely pathogenic for AHI1-related disorders. Last evaluated: 2024-09-06. Review status: criteria provided, single submitter. Criteria: ACMG Guidelines, 2015. Collection method: clinical testing. Allele origin: germline. Affected: yes. Observed: 5 variant alleles.

Women's Health and Genetics/Laboratory Corporation of America, LabCorp
Classification: Uncertain significance. Last evaluated: 2024-03-06. Review status: criteria provided, single submitter. Criteria: LabCorp Variant Classification Summary - May 2015. Collection method: clinical testing. Allele origin: germline.
Comment: Variant summary: AHI1 c.1301T>C (p.Leu434Pro) results in a non-conservative amino acid change in the encoded protein sequence. Four of five in-silico tools predict a damaging effect of the variant on protein function. The variant allele was found at a frequency of 8.5e-06 in 235162 control chromosomes. The available data on variant occurrences in the general population are insufficient to allow any conclusion about variant significance. To our knowledge, no occurrence of c.1301T>C in individuals affected with Joubert Syndrome And Related Disorders and no experimental evidence demonstrating its impact on protein function have been reported. ClinVar contains an entry for this variant (Variation ID: 866095). Based on the evidence outlined above, the variant was classified as uncertain significance.

Fulgent Genetics
Classification: Uncertain significance for Joubert syndrome 3. Last evaluated: 2024-02-02. Review status: criteria provided, single submitter. Criteria: ACMG Guidelines, 2015. Collection method: clinical testing. Allele origin: germline.

GeneDx
Classification: Likely pathogenic. Last evaluated: 2022-08-31. Review status: criteria provided, single submitter. Criteria: GeneDx Variant Classification Process June 2021. Collection method: clinical testing. Allele origin: germline. Affected: yes.
Comment: Not observed at significant frequency in large population cohorts (gnomAD); In silico analysis supports that this missense variant has a deleterious effect on protein structure/function; Has not been previously published as pathogenic or benign to our knowledge

Labcorp Genetics (formerly Invitae), Labcorp
Classification: Uncertain significance for Joubert syndrome. Last evaluated: 2022-05-27. Review status: criteria provided, single submitter. Criteria: Invitae Variant Classification Sherloc (09022015). Collection method: clinical testing. Allele origin: germline.
Comment: This sequence change replaces leucine, which is neutral and non-polar, with proline, which is neutral and non-polar, at codon 434 of the AHI1 protein (p.Leu434Pro). The frequency data for this variant in the population databases is considered unreliable, as metrics indicate poor data quality at this position in the gnomAD database. This variant has not been reported in the literature in individuals affected with AHI1-related conditions. ClinVar contains an entry for this variant (Variation ID: 866095). Advanced modeling of protein sequence and biophysical properties (such as structural, functional, and spatial information, amino acid conservation, physicochemical variation, residue mobility, and thermodynamic stability) performed at Invitae indicates that this missense variant is expected to disrupt AHI1 protein function. In summary, the available evidence is currently insufficient to determine the role of this variant in disease. Therefore, it has been classified as a Variant of Uncertain Significance.